The following is an entry in ClinVar:

ClinVar aggregate classification (germline): Uncertain significance (1 of 4 stars; one submission).

Submission:

Ambry Genetics
Classification: Uncertain significance. Last evaluated: 2023-03-08. Review status: criteria provided, single submitter. Criteria: Ambry Variant Classification Scheme 2023. Collection method: clinical testing. Allele origin: germline.
Comment: The p.V517A variant (also known as c.1550T>C), located in coding exon 13 of the IKBKAP gene, results from a T to C substitution at nucleotide position 1550. The valine at codon 517 is replaced by alanine, an amino acid with similar properties. This amino acid position is conserved. In addition, this alteration is predicted to be tolerated by in silico analysis. Since supporting evidence is limited at this time, the clinical significance of this alteration remains unclear.

NM_003640.5(ELP1):c.1550T>C (p.Val517Ala)

Gene: ELP1 (elongator acetyltransferase complex subunit 1; minus strand). Cytogenetic location: 9q31.3.
Variant type: single nucleotide variant.
Coding change: c.1550T>C on transcript NM_003640.5 (MANE Select); coding-DNA position 1550, T replaced by C.
Protein change: p.Val517Ala; replaces valine 517 with alanine.
Molecular consequence: missense variant.
Genome position (GRCh38, 1-based): chr9:108,906,396, A>G on the plus strand (T>C on the coding strand, the complement: ELP1 is on the minus strand). VCF-style: chr9-108906396-A-G. GRCh37 (hg19) VCF-style: chr9-111668676-A-G.
Other names: c.1208T>C, p.Val403Ala (NM_001318360.2); c.503T>C, p.Val168Ala (NM_001330749.2); short protein forms V403A, V168A, V517A.
Identifiers: ClinVar variation 2448041 (VCV002448041.2), dbSNP rs2537912769, ClinGen allele CA374427551.
Genomic context (GRCh38, chr9:108,906,396, plus strand): 5'-TCAGAAGAAGCTGCAGTCAAATGGTGAATGACAGACCGGGGGCTGAACTCACTGTGGCTT[A>G]CAGCCAGGAAGACGTCTTCTTCAATCCAAGTGAGAAGGCCTAGTTTCAGCGGGTTTACAT-3'
Protein context (NP_003631.2, residues 507-527): TWIEEDVFLA[Val517Ala]SHSEFSPRSV